The following is an entry in ClinVar:

ClinVar aggregate classification (germline): Uncertain significance. Review status: criteria provided, multiple submitters, no conflicts (2 of 4 stars). 2 submissions from 2 submitters: Uncertain significance (2). Last evaluated 2024-10-21.

Conditions:
Van Maldergem syndrome 2 (VMLDS2). Identifiers: Orphanet 314679, MedGen C3809875, MONDO:0014242, OMIM 615546.
Hennekam lymphangiectasia-lymphedema syndrome 2 (HKLLS2). Identifiers: Orphanet 2136, MedGen C4014939, MONDO:0014454, OMIM 616006.

Allele frequency attached by ClinVar (database versions not stated): gnomAD exomes below 0.00001; TOPMed below 0.00001; ExAC 0.00001; gnomAD 0.00001.
gnomAD v4.1: 3 of 1,614,066 alleles (0.00019%); highest among the groups gnomAD compares: Non-Finnish European, 0.00025%; no homozygotes.

Submissions (2):

Labcorp Genetics (formerly Invitae), Labcorp
Classification: Uncertain significance. Last evaluated: 2024-10-21. Review status: criteria provided, single submitter. Criteria: Invitae Variant Classification Sherloc (09022015). Collection method: clinical testing. Allele origin: germline.
Comment: This sequence change replaces asparagine, which is neutral and polar, with threonine, which is neutral and polar, at codon 1157 of the FAT4 protein (p.Asn1157Thr). This variant is present in population databases (rs764042588, gnomAD 0.0009%). This variant has not been reported in the literature in individuals affected with FAT4-related conditions. ClinVar contains an entry for this variant (Variation ID: 1395569). Invitae Evidence Modeling of protein sequence and biophysical properties (such as structural, functional, and spatial information, amino acid conservation, physicochemical variation, residue mobility, and thermodynamic stability) indicates that this missense variant is not expected to disrupt FAT4 protein function with a negative predictive value of 95%. In summary, the available evidence is currently insufficient to determine the role of this variant in disease. Therefore, it has been classified as a Variant of Uncertain Significance.

Institute of Human Genetics, Clinical Exome/Genome Diagnostics Group, University Hospital Bonn
Classification: Uncertain significance for Hennekam lymphangiectasia-lymphedema syndrome 2; Van Maldergem syndrome 2. Last evaluated: 2024-04-16. Review status: criteria provided, single submitter. Criteria: ACMG Guidelines, 2015. Collection method: clinical testing. Allele origin: germline.

NM_001291303.3(FAT4):c.3470A>C (p.Asn1157Thr)

Gene: FAT4 (FAT atypical cadherin 4; plus strand). Cytogenetic location: 4q28.1.
Variant type: single nucleotide variant.
Coding change: c.3470A>C on transcript NM_001291303.3 (MANE Select); coding-DNA position 3470, A replaced by C.
Protein change: p.Asn1157Thr; replaces asparagine 1157 with threonine.
Molecular consequence: missense variant.
Genome position (GRCh38, 1-based): chr4:125,319,881, A>C. VCF-style: chr4-125319881-A-C. GRCh37 (hg19) VCF-style: chr4-126241036-A-C.
Other names: c.3470A>C, p.Asn1157Thr (NM_001291285.3, NM_024582.6); short protein forms N1157T.
Identifiers: ClinVar variation 1395569 (VCV001395569.7), dbSNP rs764042588, ClinGen allele CA3072314.
Genomic context (GRCh38, chr4:125,319,881, plus strand): 5'-ATTCTTTTGAAATGGTGCAGCCAGATTTTGAGTTGCATGCCATCAGTGGGGAAATTACAA[A>C]TACTCATCAGTTTGACAGGGAGTCTCTTATGAGGCGGAGAGGGACTGCTGTGTTTAGCTT-3'
Protein context (NP_001278232.1, residues 1147-1167): ELHAISGEIT[Asn1157Thr]THQFDRESLM